The following is an entry in ClinVar:

ClinVar aggregate classification (germline): Uncertain significance (1 of 4 stars; one submission).

Allele frequency attached by ClinVar (database versions not stated): TOPMed below 0.00001; gnomAD 0.00001; gnomAD exomes 0.00001; ExAC 0.00002.
gnomAD v4.1: 8 of 1,608,372 alleles (0.0005%); highest among the groups gnomAD compares: East Asian, 0.0022%; no homozygotes.

Submission:

Labcorp Genetics (formerly Invitae), Labcorp
Classification: Uncertain significance. Last evaluated: 2022-10-05. Review status: criteria provided, single submitter. Criteria: Invitae Variant Classification Sherloc (09022015). Collection method: clinical testing. Allele origin: germline.
Comment: This sequence change replaces arginine, which is basic and polar, with glutamine, which is neutral and polar, at codon 481 of the IFT81 protein (p.Arg481Gln). This variant is present in population databases (rs764507924, gnomAD 0.006%). This variant has not been reported in the literature in individuals affected with IFT81-related conditions. ClinVar contains an entry for this variant (Variation ID: 1369637). Advanced modeling of protein sequence and biophysical properties (such as structural, functional, and spatial information, amino acid conservation, physicochemical variation, residue mobility, and thermodynamic stability) performed at Invitae indicates that this missense variant is not expected to disrupt IFT81 protein function. In summary, the available evidence is currently insufficient to determine the role of this variant in disease. Therefore, it has been classified as a Variant of Uncertain Significance.

NM_014055.4(IFT81):c.1442G>A (p.Arg481Gln)

Gene: IFT81 (intraflagellar transport 81; plus strand). Cytogenetic location: 12q24.11.
Variant type: single nucleotide variant.
Coding change: c.1442G>A on transcript NM_014055.4 (MANE Select); coding-DNA position 1442, G replaced by A.
Protein change: p.Arg481Gln; replaces arginine 481 with glutamine.
Molecular consequence: missense variant. On other transcripts: non-coding transcript variant (4).
Genome position (GRCh38, 1-based): chr12:110,191,023, G>A. VCF-style: chr12-110191023-G-A. GRCh37 (hg19) VCF-style: chr12-110628828-G-A.
Other names: c.1442G>A, p.Arg481Gln (NM_001143779.2); c.512G>A, p.Arg171Gln (NM_001347947.2, NM_001347948.2); short protein forms R481Q, R171Q.
Identifiers: ClinVar variation 1369637 (VCV001369637.3), dbSNP rs764507924, ClinGen allele CA6783365.